The following is an entry in ClinVar:

NM_144687.4(NLRP12):c.2415-1G>A

Gene: NLRP12 (NLR family pyrin domain containing 12; minus strand). Cytogenetic location: 19q13.42.
Variant type: single nucleotide variant.
Coding change: c.2415-1G>A on transcript NM_144687.4 (MANE Select); the canonical splice acceptor site of the intron before coding-DNA position 2415, G replaced by A.
Molecular consequence: splice acceptor variant.
Genome position (GRCh38, 1-based): chr19:53,804,123, C>T on the plus strand (G>A on the coding strand, the complement: NLRP12 is on the minus strand). VCF-style: chr19-53804123-C-T. GRCh37 (hg19) VCF-style: chr19-54307377-C-T.
Other names: c.2415-1G>A (NM_001277129.1); c.2418-1G>A (NM_001277126.2).
Identifiers: ClinVar variation 3682889 (VCV003682889.2).

ClinVar aggregate classification (germline): Uncertain significance (1 of 4 stars; one submission).

Conditions:
Familial cold autoinflammatory syndrome 2 (FCAS2). Identifiers: Orphanet 247868, MedGen C2673198, MONDO:0012724, OMIM 611762.

Submission:

Labcorp Genetics (formerly Invitae), Labcorp
Classification: Uncertain significance for Familial cold autoinflammatory syndrome 2. Last evaluated: 2024-11-16. Review status: criteria provided, single submitter. Criteria: Invitae Variant Classification Sherloc (09022015). Collection method: clinical testing. Allele origin: germline.
Comment: This sequence change affects an acceptor splice site in intron 5 of the NLRP12 gene. It is expected to disrupt RNA splicing. Variants that disrupt the donor or acceptor splice site typically lead to a loss of protein function (PMID: 16199547), however the current clinical and genetic evidence is not sufficient to establish whether loss-of-function variants in NLRP12 cause disease. This variant is not present in population databases (gnomAD no frequency). This variant has not been reported in the literature in individuals affected with NLRP12-related conditions. Algorithms developed to predict the effect of sequence changes on RNA splicing suggest that this variant may disrupt the consensus splice site. In summary, the available evidence is currently insufficient to determine the role of this variant in disease. Therefore, it has been classified as a Variant of Uncertain Significance.

Literature cited by the submitters: PubMed 16199547.